The following is an entry in ClinVar:

NM_003128.3(SPTBN1):c.3107G>A (p.Arg1036Gln)

Gene: SPTBN1 (spectrin beta, non-erythrocytic 1; plus strand). Cytogenetic location: 2p16.2.
Variant type: single nucleotide variant.
Coding change: c.3107G>A on transcript NM_003128.3 (MANE Select); coding-DNA position 3107, G replaced by A.
Protein change: p.Arg1036Gln; replaces arginine 1036 with glutamine.
Molecular consequence: missense variant.
Genome position (GRCh38, 1-based): chr2:54,631,154, G>A. VCF-style: chr2-54631154-G-A. GRCh37 (hg19) VCF-style: chr2-54858291-G-A.
Other names: c.3068G>A, p.Arg1023Gln (NM_178313.3); short protein forms R1036Q, R1023Q.
Identifiers: ClinVar variation 808751 (VCV000808751.43), dbSNP rs139622861, ClinGen allele CA1660760.
Genomic context (GRCh38, chr2:54,631,154, plus strand): 5'-AGAAGGAGGCGGAGAAGCTGGAGTCCGAGCACCCCGACCAGGCCCAGGCCATCCTGTCTC[G>A]GCTGGCCGAGATCAGCGACGTGTGGGAGGAGATGAAGACCACCCTGAAAAACCGAGAGGC-3'
Protein context (NP_003119.2, residues 1026-1046): HPDQAQAILS[Arg1036Gln]LAEISDVWEE

ClinVar aggregate classification (germline): Conflicting classifications of pathogenicity. Review status: criteria provided, conflicting classifications (1 of 4 stars). 2 submissions from 2 submitters: Uncertain significance (1); Likely benign (1). Last evaluated 2026-02-09.

Conditions:
Developmental delay, impaired speech, and behavioral abnormalities. Identifiers: MedGen C5561957, MONDO:0859178, OMIM 619475.

Allele frequency attached by ClinVar (database versions not stated): TOPMed 0.00004; gnomAD exomes 0.00005; ExAC 0.00007; gnomAD 0.00007 and 0.00009; ESP Exome Variant Server 0.00008.
gnomAD v4.1: 77 of 1,614,088 alleles (0.0048%); highest among the groups gnomAD compares: African/African-American, 0.0067%; no homozygotes.

Submissions (2):

Centre for Medical Genetics,  Mumbai
Classification: Likely benign for Developmental delay, impaired speech, and behavioral abnormalities. Last evaluated: 2026-02-09. Review status: criteria provided, single submitter. Criteria: ACMG Guidelines, 2015. Collection method: provider interpretation. Allele origin: germline. Inheritance: Autosomal dominant inheritance. Affected: no. Observed: 1 heterozygote.
Comment: The variant satisfies PM2 criteria; Extremely low frequency in gnomAD population databases. The variant satisfies PP2 criteria; Missense variant in a gene with low rate of benign missense mutations and for which missense mutation is a common mechanism of a disease. The variant satisfies BP6 criteria; Reputable source recently reports variant as benign, but the evidence is not available to the laboratory to perform an independent evaluation. However, the variant satisfies BS2 criteria.

CeGaT Center for Human Genetics Tuebingen
Classification: Uncertain significance. Last evaluated: 2020-01-01. Review status: criteria provided, single submitter. Criteria: CeGaT Center For Human Genetics Tuebingen Variant Classification Criteria Version 2. Collection method: clinical testing. Allele origin: germline. Affected: yes. Observed: 1 variant allele.

Literature cited by the submitters: PubMed 34211179 (cited by Centre for Medical Genetics,  Mumbai).